The following is an entry in ClinVar:

ClinVar aggregate classification (germline): Pathogenic. Review status: criteria provided, multiple submitters, no conflicts (2 of 4 stars). 10 submissions from 10 submitters: Pathogenic (10). Last evaluated 2025-08-29.

Conditions:
Wilson disease (WND). Also called: Wilson's disease. Identifiers: Orphanet 905, MedGen C0019202, MONDO:0010200, OMIM 277900. Disease mechanism: loss of function.
ATP7B-related disorder. Also called: ATP7B-related condition.

Allele frequency attached by ClinVar (database versions not stated): gnomAD exomes below 0.00001.

Submissions (10):

Labcorp Genetics (formerly Invitae), Labcorp
Classification: Pathogenic for Wilson disease. Last evaluated: 2025-08-29. Review status: criteria provided, single submitter. Criteria: Invitae Variant Classification Sherloc (09022015). Collection method: clinical testing. Allele origin: germline.
Comment: This sequence change creates a premature translational stop signal (p.Val1282Cysfs*22) in the ATP7B gene. It is expected to result in an absent or disrupted protein product. Loss-of-function variants in ATP7B are known to be pathogenic (PMID: 10441329, 16283883). This variant is not present in population databases (gnomAD no frequency). This premature translational stop signal has been observed in individual(s) with Wilson disease (PMID: 27398169). ClinVar contains an entry for this variant (Variation ID: 958649). For these reasons, this variant has been classified as Pathogenic.

ARUP Laboratories, Molecular Genetics and Genomics, ARUP Laboratories
Classification: Pathogenic for Wilson disease. Last evaluated: 2025-06-02. Review status: criteria provided, single submitter. Criteria: ARUP Molecular Germline Variant Investigation Process 2024. Collection method: clinical testing. Allele origin: germline.
Comment: The ATP7B c.3843dupT; p.Val1282CysfsTer22 variant (rs1957043255; ClinVar Variation ID: 958649) is reported in the literature in individuals with Wilson disease, including in at least one individual with an additional pathogenic variant (Hua 2016, Li 2011). This variant is absent from the Genome Aggregation Database (v2.1.1), indicating it is not a common polymorphism. This variant causes a frameshift by duplicating a single nucleotide, so it is predicted to result in a truncated protein or mRNA subject to nonsense-mediated decay. Loss of function is the pathogenic mechanism for Wilson disease and other frameshift variants in this region have been described in affected individuals and are considered pathogenic (Gromadzka 2005). Based on available information, this variant is considered to be pathogenic. References: Gromadzka G et al. Frameshift and nonsense mutations in the gene for ATPase7B are associated with severe impairment of copper metabolism and with an early clinical manifestation of Wilson's disease. Clin Genet. 2005 Dec;68(6):524-32. PMID: 16283883. Hua R et al Mutational analysis of ATP7B in Chinese Wilson disease patients. Am J Transl Res. 2016 Jun 15;8(6):2851-61. PMID: 27398169. Li XH et al. Clinical and molecular characterization of Wilson's disease in China: identification of 14 novel mutations. BMC Med Genet. 2011 Jan 11;12:6. PMID: 21219664.

All of Us Research Program, National Institutes of Health
Classification: Pathogenic for Wilson disease. Last evaluated: 2024-10-01. Review status: criteria provided, single submitter. Criteria: ACMG Guidelines, 2015. Collection method: clinical testing. Allele origin: germline. Inheritance: Autosomal recessive inheritance. Observed: 3 variant alleles, 3 heterozygotes.
Comment: This variant inserts 1 nucleotide in exon 18 of the ATP7B gene, creating a frameshift and premature translation stop signal. This variant is expected to result in an absent or non-functional protein product. This variant has been reported in multiple individuals affected with Wilson disease (PMID: 21219664, 27398169, 34324271). One of these individuals has been confirmed to be compound heterozygous with another pathogenic variant in the same gene (PMID: 34324271). This variant has not been identified in the general population by the Genome Aggregation Database (gnomAD). Loss of ATP7B function is a known mechanism of disease. Based on the available evidence, this variant is classified as Pathogenic.

This study involves interpretation of variants in research participants for the purpose of population health screening. Participant phenotype was not available at the time of variant classification. Additional details can be found in publication PMID: 35346344, PMCID: PMC8962531

Fulgent Genetics
Classification: Pathogenic for Wilson disease. Last evaluated: 2024-01-17. Review status: criteria provided, single submitter. Criteria: ACMG Guidelines, 2015. Collection method: clinical testing. Allele origin: germline.

Baylor Genetics
Classification: Pathogenic for Wilson disease. Last evaluated: 2023-09-18. Review status: criteria provided, single submitter. Criteria: ACMG Guidelines, 2015. Collection method: clinical testing. Allele origin: unknown.

Color Diagnostics, LLC DBA Color Health
Classification: Pathogenic for Wilson disease. Last evaluated: 2023-07-26. Review status: criteria provided, single submitter. Criteria: ACMG Guidelines, 2015. Collection method: clinical testing. Allele origin: germline.
Comment: This variant inserts 1 nucleotide in exon 18 of the ATP7B gene, creating a frameshift and premature translation stop signal. This variant is expected to result in an absent or non-functional protein product. This variant has been reported in multiple individuals affected with Wilson disease (PMID: 21219664, 27398169, 34324271). One of these individuals has been confirmed to be compound heterozygous with another pathogenic variant in the same gene (PMID: 34324271). This variant has not been identified in the general population by the Genome Aggregation Database (gnomAD). Loss of ATP7B function is a known mechanism of disease. Based on the available evidence, this variant is classified as Pathogenic.

CeGaT Center for Human Genetics Tuebingen
Classification: Pathogenic. Last evaluated: 2023-01-01. Review status: criteria provided, single submitter. Criteria: CeGaT Center For Human Genetics Tuebingen Variant Classification Criteria Version 2. Collection method: clinical testing. Allele origin: germline. Affected: yes. Observed: 1 variant allele.
Comment: ATP7B: PVS1, PM2, PM3, PS4:Moderate

Women's Health and Genetics/Laboratory Corporation of America, LabCorp
Classification: Pathogenic for Wilson disease. Last evaluated: 2022-07-18. Review status: criteria provided, single submitter. Criteria: LabCorp Variant Classification Summary - May 2015. Collection method: clinical testing. Allele origin: germline.
Comment: Variant summary: ATP7B c.3843dupT (p.Val1282CysfsX22) results in a premature termination codon, predicted to cause a truncation of the encoded protein or absence of the protein due to nonsense mediated decay, which are commonly known mechanisms for disease. Truncations downstream of this position have been classified as pathogenic by our laboratory. The variant was absent in 251274 control chromosomes (gnomAD and publication data). c.3843dupT has been reported in the literature in individuals affected with Wilson Disease (Merle_2010, Li_2011, Hua_2016, Xiao_2021). These data indicate that the variant is likely to be associated with disease. To our knowledge, no experimental evidence demonstrating an impact on protein function has been reported. Three ClinVar submitters (evaluation after 2014) cite the variant as pathogenic. Based on the evidence outlined above, the variant was classified as pathogenic.

Genome-Nilou Lab
Classification: Pathogenic for Wilson disease. Last evaluated: 2021-08-10. Review status: criteria provided, single submitter. Criteria: ACMG Guidelines, 2015. Collection method: clinical testing. Allele origin: germline. Affected: no.

Blueprint Genetics
Classification: Pathogenic for ATP7B-related disorders. Last evaluated: 2019-10-11. Review status: criteria provided, single submitter. Criteria: ACMG Guidelines, 2015. Collection method: clinical testing. Allele origin: germline. Affected: yes. Observed: 2 variant alleles.

Literature cited by the submitters: PubMed 10441329 (cited by Labcorp Genetics (formerly Invitae), Labcorp); PubMed 16283883 (cited by Labcorp Genetics (formerly Invitae), Labcorp); PubMed 27398169 (cited by 4 submitters); PubMed 21219664 (cited by 3 submitters); PubMed 34324271 (cited by 3 submitters); PubMed 20082719 (cited by Women's Health and Genetics/Laboratory Corporation of America, LabCorp).

NM_000053.4(ATP7B):c.3843dup (p.Val1282fs)

Gene: ATP7B (ATPase copper transporting beta; minus strand). Cytogenetic location: 13q14.3.
Variant type: Duplication.
Coding change: c.3843dup on transcript NM_000053.4 (MANE Select); coding-DNA position 3843, one base duplicated (T; older notation c.3843dupT).
Protein change: p.Val1282fs; shifts the reading frame from valine 1282.
Molecular consequence: frameshift variant.
Genome position (GRCh38, 1-based): chr13:51,937,536, A duplicated on the plus strand (T on the coding strand, the reverse complement: ATP7B is on the minus strand). VCF-style (leftmost placement, unchanged base first): chr13-51937535-C-CA. GRCh37 (hg19) VCF-style: chr13-52511671-C-CA.
Other names: c.3843dupT (NM_000053.3); c.3222dup, p.Val1075fs (NM_001005918.3); c.3510dup, p.Val1171fs (NM_001243182.2); c.3609dup, p.Val1204fs (NM_001330578.2); c.3591dup, p.Val1198fs (NM_001330579.2); short protein forms V1075fs, V1198fs, V1204fs, V1171fs, V1282fs.
Identifiers: ClinVar variation 958649 (VCV000958649.52), dbSNP rs1957043255, ClinGen allele CA484024308.